The following is an entry in ClinVar:

ClinVar aggregate classification (germline): Uncertain significance. Review status: criteria provided, multiple submitters, no conflicts (2 of 4 stars). 2 submissions from 2 submitters: Uncertain significance (2). Last evaluated 2019-05-11.

Conditions:
Hypertrophic cardiomyopathy 14. Identifiers: MedGen C2750467, MONDO:0013197, OMIM 613251.

Allele frequency attached by ClinVar (database versions not stated): ExAC 0.00005; gnomAD exomes 0.00003 and 0.00002; TOPMed 0.00001; gnomAD 0.00004.
gnomAD v4.1: 30 of 1,614,114 alleles (0.0019%); highest among the groups gnomAD compares: South Asian, 0.0033%; no homozygotes.

Submissions (2):

ARUP Laboratories, Molecular Genetics and Genomics, ARUP Laboratories
Classification: Uncertain significance. Last evaluated: 2019-05-11. Review status: criteria provided, single submitter. Criteria: ARUP Molecular Germline Variant Investigation Process. Collection method: clinical testing. Allele origin: germline.
Comment: The MYH6 c.4999G>A; p.Asp1667Asn variant (rs758251388), to our knowledge, is not reported in the medical literature but is reported in ClinVar (Variation ID: 312848). This variant is found in the general population with an overall allele frequency of 0.004% (12/282842 alleles) in the Genome Aggregation Database. The aspartate at codon 1667 is highly conserved, and computational analyses (SIFT, PolyPhen-2) predict that this variant is deleterious. However, due to limited information, the clinical significance of the p.Asp1667Asn variant is uncertain at this time.

Labcorp Genetics (formerly Invitae), Labcorp
Classification: Uncertain significance for Hypertrophic cardiomyopathy 14. Last evaluated: 2017-08-13. Review status: criteria provided, single submitter. Criteria: Invitae Variant Classification Sherloc (09022015). Collection method: clinical testing. Allele origin: germline.
Comment: This sequence change replaces aspartic acid with asparagine at codon 1667 of the MYH6 protein (p.Asp1667Asn). The aspartic acid residue is weakly conserved and there is a small physicochemical difference between aspartic acid and asparagine. This variant is present in population databases (rs758251388, ExAC 0.02%). This variant has not been reported in the literature in individuals with MYH6-related disease. ClinVar contains an entry for this variant (Variation ID: 312848). Algorithms developed to predict the effect of missense changes on protein structure and function do not agree on the potential impact of this missense change (SIFT: "Tolerated"; PolyPhen-2: "Possibly Damaging"; Align-GVGD: "Class C0"). In summary, the available evidence is currently insufficient to determine the role of this variant in disease. Therefore, it has been classified as a Variant of Uncertain Significance.

NM_002471.4(MYH6):c.4999G>A (p.Asp1667Asn)

Genes: MYH6 (myosin heavy chain 6; minus strand), LOC126861896 (BRD4-independent group 4 enhancer GRCh37_chr14:23854904-23856103; plus strand). Cytogenetic location: 14q11.2.
Variant type: single nucleotide variant.
Coding change: c.4999G>A on transcript NM_002471.4 (MANE Select); coding-DNA position 4999, G replaced by A.
Protein change: p.Asp1667Asn; replaces aspartic acid 1667 with asparagine.
Molecular consequence: missense variant.
Genome position (GRCh38, 1-based): chr14:23,386,092, C>T on the plus strand (G>A on the coding strand, the complement: MYH6 is on the minus strand). VCF-style: chr14-23386092-C-T. GRCh37 (hg19) VCF-style: chr14-23855301-C-T.
Other names: short protein forms D1667N.
Identifiers: ClinVar variation 312848 (VCV000312848.16), dbSNP rs758251388, ClinGen allele CA7114573.